The following is an entry in ClinVar:

ClinVar aggregate classification (germline): Pathogenic/Likely pathogenic. Review status: criteria provided, multiple submitters, no conflicts (2 of 4 stars). 4 submissions from 4 submitters: Pathogenic (2); Likely pathogenic (2). Last evaluated 2026-07-01.

Conditions:
Glycogen storage disease, type II (IOPD). Also called: CARDIOMEGALIA GLYCOGENICA DIFFUSA; GLYCOGENOSIS, GENERALIZED, CARDIAC FORM; GSD II; Glycogen storage disease type 2; Acid maltase deficiency disease; Aglucosidase alfa. Identifiers: Orphanet 365, MedGen C0017921, MONDO:0009290, OMIM 232300.

Submissions (4):

Genomenon, Inc
Classification: Likely pathogenic for Glycogen storage disease, type II. Last evaluated: 2026-07-01. Review status: criteria provided, single submitter. Criteria: Genomenon Sequence Variant Interpretation Standards - Updated. Collection method: curation. Allele origin: germline.
Comment: GAA p.His708ThrfsTer56 (c.2122del) is a frameshift variant that is predicted to introduce a premature termination codon and result in a truncated or absent protein product. This variant has been reported in the compound heterozygous and/or homozygous state in at least one individual without a confirmed diagnosis of Pompe disease (PMID:37530313). It is absent or not present at a significant frequency in gnomAD. In conclusion, we classify GAA p.His708ThrfsTer56 (c.2122del) as a likely pathogenic variant.

Revvity Omics, Revvity
Classification: Pathogenic. Last evaluated: 2024-02-04. Review status: criteria provided, single submitter. Criteria: ACMG Guidelines, 2015. Collection method: clinical testing. Allele origin: germline.

Baylor Genetics
Classification: Pathogenic for Glycogen storage disease, type II. Last evaluated: 2023-09-27. Review status: criteria provided, single submitter. Criteria: ACMG Guidelines, 2015. Collection method: clinical testing. Allele origin: unknown.

Foundation for Research in Genetics and Endocrinology, FRIGE's Institute of Human Genetics
Classification: Likely pathogenic for Glycogen storage disease, type II. Last evaluated: 2023-08-19. Review status: criteria provided, single submitter. Criteria: ACMG Guidelines, 2015. Collection method: clinical testing. Allele origin: germline. Inheritance: Autosomal recessive inheritance. Affected: yes. Observed: 1 homozygote.
Comment: A Homozygous variation in exon 15 of the GAA gene that results in premature termination of the sequence at codon 708 was detected. The observed variant has not been reported in the 1000 genomes and gnomAD databases. The in-silico prediction of the variant are possibly disease causing by MutationTaster2. The reference codon is conserved across species. In summary, the variant meets our criteria to be classified as likely pathogenic.

Literature cited by the submitters: PubMed 37530313 (cited by Genomenon, Inc).

NM_000152.5(GAA):c.2122del (p.His708fs)

Gene: GAA (alpha glucosidase; plus strand). Cytogenetic location: 17q25.3.
Variant type: Deletion.
Coding change: c.2122del on transcript NM_000152.5 (MANE Select); coding-DNA position 2122, one base deleted (C; older notation c.2122delC).
Protein change: p.His708fs; shifts the reading frame from histidine 708.
Molecular consequence: frameshift variant.
Genome position (GRCh38, 1-based): chr17:80,113,299, C deleted; the last of 5 consecutive C bases (chr17:80,113,295-80,113,299); deleting any one gives the same sequence. VCF-style (leftmost placement, unchanged base first): chr17-80113294-TC-T. GRCh37 (hg19) VCF-style: chr17-78087093-TC-T.
Other names: p.His708Thrfs56; c.2122del, p.His708fs (NM_001079803.3, NM_001079804.3, NM_001406741.1 and 1 more transcripts); short protein forms H708fs.
Identifiers: ClinVar variation 2576985 (VCV002576985.5), dbSNP rs2510386542, ClinGen allele CA2580612686.